The following is an entry in ClinVar:

NM_000368.5(TSC1):c.853T>A (p.Phe285Ile)

Gene: TSC1 (TSC complex subunit 1; minus strand). Cytogenetic location: 9q34.13.
Variant type: single nucleotide variant.
Coding change: c.853T>A on transcript NM_000368.5 (MANE Select); coding-DNA position 853, T replaced by A.
Protein change: p.Phe285Ile; replaces phenylalanine 285 with isoleucine.
Molecular consequence: missense variant. On other transcripts: 5 prime UTR variant (5), non-coding transcript variant (5).
Genome position (GRCh38, 1-based): chr9:132,912,342, A>T on the plus strand (T>A on the coding strand, the complement: TSC1 is on the minus strand). VCF-style: chr9-132912342-A-T. GRCh37 (hg19) VCF-style: chr9-135787729-A-T.
Other names: c.853T>A, p.Phe285Ile (NM_001406600.1, NM_001406601.1, NM_001406602.1 and 16 more transcripts); c.490T>A, p.Phe164Ile (NM_001406619.1, NM_001406620.1, NM_001406621.1 and 10 more transcripts); c.-99T>A (NM_001406626.1, NM_001406627.1, NM_001406628.1); c.-241T>A (NM_001406629.1, NM_001406630.1); c.700T>A, p.Phe234Ile (NM_001162427.2, NM_001406610.1, NM_001406611.1 and 2 more transcripts); short protein forms F234I, F164I, F285I.
Identifiers: ClinVar variation 5031209 (VCV005031209.1).

ClinVar aggregate classification (germline): Uncertain significance (1 of 4 stars; one submission).

Conditions:
Hereditary cancer-predisposing syndrome. Also called: Neoplastic Syndromes, Hereditary; Tumor predisposition; Hereditary neoplastic syndrome; Hereditary Cancer Syndrome. Identifiers: Orphanet 140162, MedGen C0027672, MeSH D009386, MONDO:0015356.

Submission:

Ambry Genetics
Classification: Uncertain significance for Hereditary cancer-predisposing syndrome. Last evaluated: 2026-07-02. Review status: criteria provided, single submitter. Criteria: Ambry Variant Classification Scheme 2023. Collection method: clinical testing. Allele origin: germline.
Comment: The p.F285I variant (also known as c.853T>A), located in coding exon 7 of the TSC1 gene, results from a T to A substitution at nucleotide position 853. The phenylalanine at codon 285 is replaced by isoleucine, an amino acid with highly similar properties. This amino acid position is conserved. In addition, this alteration is predicted to be tolerated by in silico analysis. Based on the available evidence, the clinical significance of this variant remains unclear.